The following is an entry in ClinVar:

ClinVar aggregate classification (germline): Uncertain significance (1 of 4 stars; one submission).

Allele frequency attached by ClinVar (database versions not stated): gnomAD 0.00001; TOPMed 0.00003; ESP Exome Variant Server 0.00008.

Submission:

Labcorp Genetics (formerly Invitae), Labcorp
Classification: Uncertain significance. Last evaluated: 2024-12-02. Review status: criteria provided, single submitter. Criteria: Invitae Variant Classification Sherloc (09022015). Collection method: clinical testing. Allele origin: germline.
Comment: This sequence change replaces arginine, which is basic and polar, with tryptophan, which is neutral and slightly polar, at codon 282 of the HSD3B7 protein (p.Arg282Trp). This variant is present in population databases (rs150681074, gnomAD 0.006%). This variant has not been reported in the literature in individuals affected with HSD3B7-related conditions. ClinVar contains an entry for this variant (Variation ID: 2191305). Invitae Evidence Modeling of protein sequence and biophysical properties (such as structural, functional, and spatial information, amino acid conservation, physicochemical variation, residue mobility, and thermodynamic stability) indicates that this missense variant is expected to disrupt HSD3B7 protein function with a positive predictive value of 80%. In summary, the available evidence is currently insufficient to determine the role of this variant in disease. Therefore, it has been classified as a Variant of Uncertain Significance.

NM_025193.4(HSD3B7):c.844C>T (p.Arg282Trp)

Gene: HSD3B7 (hydroxy-delta-5-steroid dehydrogenase, 3 beta- and steroid delta-isomerase 7; plus strand). Cytogenetic location: 16p11.2.
Variant type: single nucleotide variant.
Coding change: c.844C>T on transcript NM_025193.4 (MANE Select); coding-DNA position 844, C replaced by T.
Protein change: p.Arg282Trp; replaces arginine 282 with tryptophan.
Molecular consequence: missense variant. On other transcripts: 3 prime UTR variant (2).
Genome position (GRCh38, 1-based): chr16:30,987,917, C>T. VCF-style: chr16-30987917-C-T. GRCh37 (hg19) VCF-style: chr16-30999238-C-T.
Other names: c.*90C>T (NM_001142777.2, NM_001142778.2); short protein forms R282W.
Identifiers: ClinVar variation 2191305 (VCV002191305.3), dbSNP rs150681074, ClinGen allele CA8018124.
Genomic context (GRCh38, chr16:30,987,917, plus strand): 5'-GGATCACCCTACAGGAGCTACGAGGATTTCAACATGGAGTTCCTGGGCCCCTGCGGACTG[C>T]GGCTGGTGGGCGCCCGCCCATTGCTGCCCTACTGGCTGCTGGTGTTCCTGGCTGCCCTCA-3'
Protein context (NP_079469.2, residues 272-292): NMEFLGPCGL[Arg282Trp]LVGARPLLPY